The following is an entry in ClinVar:

ClinVar aggregate classification (germline): Pathogenic (1 of 4 stars; one submission).

Conditions:
Distal myopathy with posterior leg and anterior hand involvement. Also called: WILLIAMS DISTAL MYOPATHY. Identifiers: Orphanet 63273, MedGen C3279722, MONDO:0013550, OMIM 614065.
Hypertrophic cardiomyopathy 26. Also called: Cardiomyopathy, familial hypertrophic, 26. Identifiers: Orphanet 75249, MedGen C4310749, MONDO:0014883, OMIM 617047.
Myofibrillar myopathy 5. Also called: FILAMINOPATHY, AUTOSOMAL DOMINANT; Filaminopathy (type). Identifiers: Orphanet 171445, MedGen C1836050, MONDO:0012289, OMIM 609524.

Submission:

Labcorp Genetics (formerly Invitae), Labcorp
Classification: Pathogenic for Distal myopathy with posterior leg and anterior hand involvement; Myofibrillar myopathy 5; Hypertrophic cardiomyopathy 26. Last evaluated: 2023-03-26. Review status: criteria provided, single submitter. Criteria: Invitae Variant Classification Sherloc (09022015). Collection method: clinical testing. Allele origin: germline.
Comment: For these reasons, this variant has been classified as Pathogenic. This sequence change creates a premature translational stop signal (p.Ile683Serfs*6) in the FLNC gene. It is expected to result in an absent or disrupted protein product. Loss-of-function variants in FLNC are known to be pathogenic (PMID: 27908349). This variant is not present in population databases (gnomAD no frequency). This variant has not been reported in the literature in individuals affected with FLNC-related conditions. ClinVar contains an entry for this variant (Variation ID: 1453553).

Literature cited by the submitters: PubMed 27908349.

NM_001458.5(FLNC):c.2048_2049del (p.Ile683fs)

Gene: FLNC (filamin C; plus strand). Cytogenetic location: 7q32.1.
Variant type: Deletion.
Coding change: c.2048_2049del on transcript NM_001458.5 (MANE Select); coding-DNA positions 2048 to 2049, 2 bases deleted (TC; older notation c.2048_2049delTC).
Protein change: p.Ile683fs; shifts the reading frame from isoleucine 683.
Molecular consequence: frameshift variant.
Genome position (GRCh38, 1-based): chr7:128,841,494-128,841,495, TC deleted. VCF-style (leftmost placement, unchanged base first): chr7-128841493-ATC-A. GRCh37 (hg19) VCF-style: chr7-128481547-ATC-A.
Other names: c.2048_2049del, p.Ile683fs (NM_001127487.2); short protein forms I683fs.
Identifiers: ClinVar variation 1453553 (VCV001453553.6), dbSNP rs2128935347, ClinGen allele CA2573141710.
Genomic context (GRCh38, chr7:128,841,493, plus strand): 5'-AGCCTTCTTCCCTCCGCACAGGTGAAGGCCTTTGGGCCTGGCCTGGAGCCTACCGGCTGC[ATC>A]GTGGACAAGCCCGCTGAGTTCACCATTGATGCTCGTGCAGCTGGCAAGGGAGACCTGAAG-3'